The following is an entry in ClinVar:

NM_000393.5(COL5A2):c.1923+3dup

Gene: COL5A2 (collagen type V alpha 2 chain; minus strand). Cytogenetic location: 2q32.2.
Variant type: Duplication.
Coding change: c.1923+3dup on transcript NM_000393.5 (MANE Select); 3 bases into the intron after coding-DNA position 1923, one base duplicated (A; older notation c.1923+3dupA).
Molecular consequence: intron variant.
Genome position (GRCh38, 1-based): chr2:189,063,005, T duplicated on the plus strand (A on the coding strand, the reverse complement: COL5A2 is on the minus strand); the first of 3 consecutive T bases (chr2:189,063,005-189,063,007); duplicating any one gives the same sequence. VCF-style (leftmost placement, unchanged base first): chr2-189063004-A-AT. GRCh37 (hg19) VCF-style: chr2-189927730-A-AT.
Other names: c.1923+5dupA (NM_000393.3).
Identifiers: ClinVar variation 418651 (VCV000418651.9), dbSNP rs1553515318, ClinGen allele CA16617400.
Genomic context (GRCh38, chr2:189,063,004, plus strand): 5'-AGGTGAGTCTATGATAATTTAAATAGTACCTACATTATTTTTCTTTAGCAGAAAATGTAT[A>AT]TTTACCCTCTGCCCAGGAACTCCAGCATTTCCTGCTTCTCCAGGTTTCCCAGGGTCACCC-3'

ClinVar aggregate classification (germline): Conflicting classifications of pathogenicity. Review status: criteria provided, conflicting classifications (1 of 4 stars). 3 submissions from 3 submitters: Uncertain significance (1); Likely benign (2). Last evaluated 2025-10-29.

Conditions:
Ehlers-Danlos syndrome, classic type, 1 (EDSCL1). Also called: EHLERS-DANLOS SYNDROME, GRAVIS TYPE; EHLERS-DANLOS SYNDROME, SEVERE CLASSIC TYPE; Ehlers-Danlos Syndrome, Classic Type, COL5A1-Related; EDS I; Ehlers-Danlos syndrome, type 1. Identifiers: MedGen C0268335, MONDO:0019567, OMIM 130000.
Familial thoracic aortic aneurysm and aortic dissection (TAAD). Also called: Thoracic aortic aneurysms and dissections. Identifiers: Orphanet 91387, MedGen C4707243, MONDO:0019625.

Submissions (3):

Labcorp Genetics (formerly Invitae), Labcorp
Classification: Uncertain significance for Ehlers-Danlos syndrome, classic type, 1. Last evaluated: 2025-10-29. Review status: criteria provided, single submitter. Criteria: Invitae Variant Classification Sherloc (09022015). Collection method: clinical testing. Allele origin: germline.
Comment: This sequence change falls in intron 28 of the COL5A2 gene. It does not directly change the encoded amino acid sequence of the COL5A2 protein. It affects a nucleotide within the consensus splice site. The frequency data for this variant in the population databases is considered unreliable, as metrics indicate poor data quality at this position in the gnomAD database. This variant has not been reported in the literature in individuals affected with COL5A2-related conditions. ClinVar contains an entry for this variant (Variation ID: 418651). Variants that disrupt the consensus splice site are a relatively common cause of aberrant splicing (PMID: 17576681, 9536098). Algorithms developed to predict the effect of sequence changes on RNA splicing suggest that this variant may disrupt the consensus splice site. In summary, the available evidence is currently insufficient to determine the role of this variant in disease. Therefore, it has been classified as a Variant of Uncertain Significance.

Ambry Genetics
Classification: Likely benign for Familial thoracic aortic aneurysm and aortic dissection. Last evaluated: 2021-10-18. Review status: criteria provided, single submitter. Criteria: Ambry Variant Classification Scheme 2023. Collection method: clinical testing. Allele origin: germline.

GeneDx
Classification: Likely benign. Last evaluated: 2015-12-17. Review status: criteria provided, single submitter. Criteria: GeneDx Variant Classification (06012015). Collection method: clinical testing. Allele origin: germline. Affected: yes.
Comment: This variant is considered likely benign or benign based on one or more of the following criteria: it is a conservative change, it occurs at a poorly conserved position in the protein, it is predicted to be benign by multiple in silico algorithms, and/or has population frequency not consistent with disease.

Literature cited by the submitters: PubMed 17576681 (cited by Labcorp Genetics (formerly Invitae), Labcorp); PubMed 9536098 (cited by Labcorp Genetics (formerly Invitae), Labcorp).